The following is an entry in ClinVar:

NM_001006658.3(CR2):c.1106A>G (p.Tyr369Cys)

Genes: CR2 (complement C3d receptor 2; plus strand), LOC126805994 (BRD4-independent group 4 enhancer GRCh37_chr1:207642622-207643821; plus strand). Cytogenetic location: 1q32.2.
Variant type: single nucleotide variant.
Coding change: c.1106A>G on transcript NM_001006658.3 (MANE Select); coding-DNA position 1106, A replaced by G.
Protein change: p.Tyr369Cys; replaces tyrosine 369 with cysteine.
Molecular consequence: missense variant.
Genome position (GRCh38, 1-based): chr1:207,469,983, A>G. VCF-style: chr1-207469983-A-G. GRCh37 (hg19) VCF-style: chr1-207643328-A-G.
Other names: c.1106A>G, p.Tyr369Cys (NM_001877.5); short protein forms Y369C.
Identifiers: ClinVar variation 2287600 (VCV002287600.4), dbSNP rs1317455133, ClinGen allele CA344529209.

ClinVar aggregate classification (germline): Uncertain significance. Review status: criteria provided, multiple submitters, no conflicts (2 of 4 stars). 2 submissions from 2 submitters: Uncertain significance (2). Last evaluated 2025-12-15.

Conditions:
Inborn genetic diseases. Identifiers: MedGen C0950123, MeSH D030342.
Immunodeficiency, common variable, 7. Identifiers: Orphanet 1572, Orphanet 696894, MedGen C3542922, MONDO:0013862, OMIM 614699.

Allele frequency attached by ClinVar (database versions not stated): TOPMed below 0.00001; gnomAD 0.00001; gnomAD exomes 0.00001.
gnomAD v4.1: 20 of 1,613,880 alleles (0.0012%); highest among the groups gnomAD compares: Middle Eastern, 0.016%; no homozygotes.

Submissions (2):

Ambry Genetics
Classification: Uncertain significance for Inborn genetic diseases. Last evaluated: 2025-12-15. Review status: criteria provided, single submitter. Criteria: Ambry Variant Classification Scheme 2023. Collection method: clinical testing. Allele origin: germline.

Labcorp Genetics (formerly Invitae), Labcorp
Classification: Uncertain significance for Immunodeficiency, common variable, 7. Last evaluated: 2025-08-28. Review status: criteria provided, single submitter. Criteria: Invitae Variant Classification Sherloc (09022015). Collection method: clinical testing. Allele origin: germline.
Comment: This sequence change replaces tyrosine, which is neutral and polar, with cysteine, which is neutral and slightly polar, at codon 369 of the CR2 protein (p.Tyr369Cys). This variant is not present in population databases (gnomAD no frequency). This variant has not been reported in the literature in individuals affected with CR2-related conditions. ClinVar contains an entry for this variant (Variation ID: 2287600). An algorithm developed to predict the effect of missense changes on protein structure and function (PolyPhen-2) suggests that this variant is likely to be disruptive. In summary, the available evidence is currently insufficient to determine the role of this variant in disease. Therefore, it has been classified as a Variant of Uncertain Significance.